The following is an entry in ClinVar:

NM_001292063.2(OTOG):c.2530G>A (p.Gly844Arg)

Gene: OTOG (otogelin; plus strand). Cytogenetic location: 11p15.1.
Variant type: single nucleotide variant.
Coding change: c.2530G>A on transcript NM_001292063.2 (MANE Select); coding-DNA position 2530, G replaced by A.
Protein change: p.Gly844Arg; replaces glycine 844 with arginine.
Molecular consequence: missense variant.
Genome position (GRCh38, 1-based): chr11:17,576,599, G>A. VCF-style: chr11-17576599-G-A. GRCh37 (hg19) VCF-style: chr11-17598146-G-A.
Other names: c.2566G>A, p.Gly856Arg (NM_001277269.2); short protein forms G844R, G856R.
Identifiers: ClinVar variation 1300714 (VCV001300714.2), dbSNP rs867715728, ClinGen allele CA218453347.

ClinVar aggregate classification (germline): Uncertain significance (1 of 4 stars; one submission).

Allele frequency attached by ClinVar (database versions not stated): gnomAD 0.00001; TOPMed 0.00001; gnomAD exomes 0.00002 and 0.00005.
gnomAD v4.1: 34 of 1,550,376 alleles (0.0022%); highest among the groups gnomAD compares: Admixed American, 0.0078%; no homozygotes.

Submission:

GeneDx
Classification: Uncertain significance. Last evaluated: 2021-10-13. Review status: criteria provided, single submitter. Criteria: GeneDx Variant Classification Process June 2021. Collection method: clinical testing. Allele origin: germline. Affected: yes.
Comment: In silico analysis supports that this missense variant has a deleterious effect on protein structure/function; Has not been previously published as pathogenic or benign to our knowledge